The following is an entry in ClinVar:

ClinVar aggregate classification (germline): Likely benign (0 of 4 stars; one submission).

Conditions:
ARHGAP29-related disorder. Also called: ARHGAP29-related condition; ARHGAP29-Related Disorders.

gnomAD v4.1: 42 of 1,614,206 alleles (0.0026%); highest among the groups gnomAD compares: Non-Finnish European, 0.0033%; no homozygotes.

Submission:

PreventionGenetics, part of Exact Sciences
Classification: Likely benign for ARHGAP29-related condition. Last evaluated: 2024-07-27. Review status: no assertion criteria provided. Collection method: clinical testing. Allele origin: germline.
Comment: This variant is classified as likely benign based on ACMG/AMP sequence variant interpretation guidelines (Richards et al. 2015 PMID: 25741868, with internal and published modifications).

NM_004815.4(ARHGAP29):c.1008A>G (p.Gln336=)

Gene: ARHGAP29 (Rho GTPase activating protein 29; minus strand). Cytogenetic location: 1p22.1.
Variant type: single nucleotide variant.
Coding change: c.1008A>G on transcript NM_004815.4 (MANE Select); coding-DNA position 1008, A replaced by G.
Protein change: p.Gln336=; no amino-acid change (glutamine 336 retained).
Molecular consequence: synonymous variant.
Genome position (GRCh38, 1-based): chr1:94,202,679, T>C on the plus strand (A>G on the coding strand, the complement: ARHGAP29 is on the minus strand). VCF-style: chr1-94202679-T-C. GRCh37 (hg19) VCF-style: chr1-94668235-T-C.
Other names: c.1008A>G, p.Gln336= (NM_001328664.2, NM_001328666.2); c.816A>G, p.Gln272= (NM_001328665.2, NM_001328667.2).
Identifiers: ClinVar variation 3355755 (VCV003355755.1).